The following is an entry in ClinVar:

ClinVar aggregate classification (germline): Pathogenic/Likely pathogenic. Review status: criteria provided, multiple submitters, no conflicts (2 of 4 stars). 5 submissions from 5 submitters: Pathogenic (4); Likely pathogenic (1). Last evaluated 2024-08-13.

Conditions:
Familial cancer of breast. Also called: Hereditary breast cancer; BREAST CANCER, FAMILIAL; hereditary breast carcinoma. Identifiers: Orphanet 227535, MedGen C0346153, MONDO:0016419, OMIM 114480. Disease mechanism: loss of function.
Hereditary cancer-predisposing syndrome. Also called: Hereditary Cancer Syndrome; Tumor predisposition; Neoplastic Syndromes, Hereditary; Hereditary neoplastic syndrome. Identifiers: Orphanet 140162, MedGen C0027672, MeSH D009386, MONDO:0015356.

Allele frequency attached by ClinVar (database versions not stated): gnomAD exomes below 0.00001.
gnomAD v4.1: 2 of 1,613,446 alleles (0.00012%); highest among the groups gnomAD compares: East Asian, 0.0022%; no homozygotes.

Submissions (5):

Labcorp Genetics (formerly Invitae), Labcorp
Classification: Pathogenic for Familial cancer of breast. Last evaluated: 2024-08-13. Review status: criteria provided, single submitter. Criteria: Invitae Variant Classification Sherloc (09022015). Collection method: clinical testing. Allele origin: germline.
Comment: This sequence change creates a premature translational stop signal (p.Trp146*) in the BARD1 gene. It is expected to result in an absent or disrupted protein product. Loss-of-function variants in BARD1 are known to be pathogenic (PMID: 20077502, 21344236). This variant is not present in population databases (gnomAD no frequency). This premature translational stop signal has been observed in individual(s) with breast cancer (PMID: 28724667). ClinVar contains an entry for this variant (Variation ID: 824854). For these reasons, this variant has been classified as Pathogenic.

Myriad Genetics, Inc.
Classification: Pathogenic for Familial cancer of breast. Last evaluated: 2023-05-18. Review status: criteria provided, single submitter. Criteria: Myriad Autosomal Dominant, Autosomal Recessive and X-Linked Classification Criteria (2023). Collection method: clinical testing. Allele origin: unknown.
Comment: This variant is considered pathogenic. This variant creates a termination codon and is predicted to result in premature protein truncation.

Baylor Genetics
Classification: Pathogenic for Familial cancer of breast. Last evaluated: 2023-03-24. Review status: criteria provided, single submitter. Criteria: ACMG Guidelines, 2015. Collection method: clinical testing. Allele origin: unknown.

Ambry Genetics
Classification: Pathogenic for Hereditary cancer-predisposing syndrome. Last evaluated: 2019-09-10. Review status: criteria provided, single submitter. Criteria: Ambry Variant Classification Scheme 2023. Collection method: clinical testing. Allele origin: germline.
Comment: The p.W146* pathogenic mutation (also known as c.438G>A), located in coding exon 4 of the BARD1 gene, results from a G to A substitution at nucleotide position 438. This changes the amino acid from a tryptophan to a stop codon within coding exon 4. This alteration was detected in a cohort of 8085 consecutive unselected Chinese patients with breast cancer who underwent multi-gene panel testing (Sun J et al. Clin. Cancer Res., 2017 Oct;23:6113-6119). In addition to the clinical data presented in the literature, this alteration is expected to result in loss of function by premature protein truncation or nonsense-mediated mRNA decay. As such, this alteration is interpreted as a disease-causing mutation.

Juno Genomics, Hangzhou Juno Genomics, Inc
Classification: Likely pathogenic for Familial cancer of breast. Review status: criteria provided, single submitter. Criteria: ACMG Guidelines, 2015. Collection method: clinical testing. Allele origin: germline.
Comment: Absent from controls (or at extremely low frequency if recessive) in Genome Aggregation Database.;Null variant in a gene where loss of function (LOF) is a known mechanism of disease.

Literature cited by the submitters: PubMed 20077502 (cited by Labcorp Genetics (formerly Invitae), Labcorp); PubMed 21344236 (cited by Labcorp Genetics (formerly Invitae), Labcorp); PubMed 28724667 (cited by Labcorp Genetics (formerly Invitae), Labcorp and Ambry Genetics).

NM_000465.4(BARD1):c.438G>A (p.Trp146Ter)

Gene: BARD1 (BRCA1 associated RING domain 1; minus strand). Cytogenetic location: 2q35.
Variant type: single nucleotide variant.
Coding change: c.438G>A on transcript NM_000465.4 (MANE Select); coding-DNA position 438, G replaced by A.
Protein change: p.Trp146Ter; replaces tryptophan 146 with a stop codon.
Molecular consequence: nonsense. On other transcripts: non-coding transcript variant (2), intron variant (3).
Genome position (GRCh38, 1-based): chr2:214,781,436, C>T on the plus strand (G>A on the coding strand, the complement: BARD1 is on the minus strand). VCF-style: chr2-214781436-C-T. GRCh37 (hg19) VCF-style: chr2-215646160-C-T.
Other names: c.381G>A, p.Trp127Ter (NM_001282543.2); c.158+27976G>A (NM_001282548.2); c.215+15625G>A (NM_001282545.2); c.364+10861G>A (NM_001282549.2); short protein forms W146*, W127*.
Identifiers: ClinVar variation 824854 (VCV000824854.17), dbSNP rs587781806, ClinGen allele CA350457783.
Genomic context (GRCh38, chr2:214,781,436, plus strand): 5'-CTGGGTTTGCACTGAAGCTTTACTCACAACATATCTGACTTTCTTACTTCGAGGGCTAAA[C>T]CACATTTTAATTGAATTCTTCTTGTTTCCTGCATCATTAAACAAACTTTTCCTAGGTTTA-3'